The following is an entry in ClinVar:

NM_017780.4(CHD7):c.559C>G (p.Gln187Glu)

Gene: CHD7 (chromodomain helicase DNA binding protein 7; plus strand). Cytogenetic location: 8q12.2.
Variant type: single nucleotide variant.
Coding change: c.559C>G on transcript NM_017780.4 (MANE Select); coding-DNA position 559, C replaced by G.
Protein change: p.Gln187Glu; replaces glutamine 187 with glutamic acid.
Molecular consequence: missense variant.
Genome position (GRCh38, 1-based): chr8:60,741,991, C>G. VCF-style: chr8-60741991-C-G. GRCh37 (hg19) VCF-style: chr8-61654550-C-G.
Other names: c.559C>G, p.Gln187Glu (NM_001316690.1); short protein forms Q187E.
Identifiers: ClinVar variation 3361749 (VCV003361749.1).

ClinVar aggregate classification (germline): Uncertain significance (1 of 4 stars; one submission).

Submission:

GeneDx
Classification: Uncertain significance. Last evaluated: 2023-08-10. Review status: criteria provided, single submitter. Criteria: GeneDx Variant Classification Process June 2021. Collection method: clinical testing. Allele origin: germline. Affected: yes.
Comment: Not observed at significant frequency in large population cohorts (gnomAD); In silico analysis supports that this missense variant does not alter protein structure/function; Has not been previously published as pathogenic or benign to our knowledge